The following is an entry in ClinVar:

ClinVar aggregate classification (germline): Uncertain significance (1 of 4 stars; one submission).

Conditions:
Hereditary cancer-predisposing syndrome. Also called: Neoplastic Syndromes, Hereditary; Tumor predisposition; Hereditary Cancer Syndrome; Hereditary neoplastic syndrome. Identifiers: Orphanet 140162, MedGen C0027672, MeSH D009386, MONDO:0015356.

Submission:

Color Diagnostics, LLC DBA Color Health
Classification: Uncertain significance for Hereditary cancer-predisposing syndrome. Last evaluated: 2020-03-02. Review status: criteria provided, single submitter. Criteria: ACMG Guidelines, 2015. Collection method: clinical testing. Allele origin: germline.
Comment: This missense variant replaces serine with proline at codon 811 of the APC protein. Computational prediction is inconclusive regarding the impact of this variant on protein structure and function (internally defined REVEL score threshold 0.5 < inconclusive < 0.7, PMID: 27666373). Splice site prediction tools suggest that this variant may not impact RNA splicing. To our knowledge, functional studies have not been reported for this variant. This variant has not been reported in individuals affected with hereditary cancer in the literature. This variant has not been identified in the general population by the Genome Aggregation Database (gnomAD). The available evidence is insufficient to determine the role of this variant in disease conclusively. Therefore, this variant is classified as a Variant of Uncertain Significance.

NM_000038.6(APC):c.2431T>C (p.Ser811Pro)

Gene: APC (APC regulator of Wnt signaling pathway; plus strand). Cytogenetic location: 5q22.2.
Variant type: single nucleotide variant.
Coding change: c.2431T>C on transcript NM_000038.6 (MANE Select); coding-DNA position 2431, T replaced by C.
Protein change: p.Ser811Pro; replaces serine 811 with proline.
Molecular consequence: missense variant.
Genome position (GRCh38, 1-based): chr5:112,838,025, T>C. VCF-style: chr5-112838025-T-C. GRCh37 (hg19) VCF-style: chr5-112173722-T-C.
Other names: c.2431T>C, p.Ser811Pro (NM_001127510.3, NM_001354895.2); c.2377T>C, p.Ser793Pro (NM_001127511.3); c.2485T>C, p.Ser829Pro (NM_001354896.2); c.2461T>C, p.Ser821Pro (NM_001354897.2); c.2356T>C, p.Ser786Pro (NM_001354898.2); c.2347T>C, p.Ser783Pro (NM_001354899.2); c.2308T>C, p.Ser770Pro (NM_001354900.2); c.2254T>C, p.Ser752Pro (NM_001354901.2); and 5 more; short protein forms S528P, S770P, S821P, S710P, S651P, S685P, S752P, S786P.
Identifiers: ClinVar variation 925891 (VCV000925891.3), dbSNP rs1765179786, ClinGen allele CA16026673.
Genomic context (GRCh38, chr5:112,838,025, plus strand): 5'-CACAAGCAAAGTCTCTATGGTGATTATGTTTTTGACACCAATCGACATGATGATAATAGG[T>C]CAGACAATTTTAATACTGGCAACATGACTGTCCTTTCACCATATTTGAATACTACAGTGT-3'
Protein context (NP_000029.2, residues 801-821): FDTNRHDDNR[Ser811Pro]DNFNTGNMTV